The following is an entry in ClinVar:

ClinVar aggregate classification (germline): Pathogenic. Review status: criteria provided, multiple submitters, no conflicts (2 of 4 stars). 5 submissions from 5 submitters: Pathogenic (5). Last evaluated 2024-04-09.

Conditions:
Anterior segment dysgenesis 6 (ASGD6). Also called: Anterior segment dysgenesis 6, multiple subtypes. Identifiers: MedGen C4310623, MONDO:0015016, OMIM 617315.
Glaucoma 3A. Also called: Glaucoma 3, primary congenital, A. Identifiers: Orphanet 98976, Orphanet 98977, MedGen C1856439, MONDO:0009277, OMIM 231300.
Congenital glaucoma. Identifiers: MedGen C0020302, MONDO:0020366.
Primary congenital glaucoma. Also called: Primary congenital glaucoma (disease). Identifiers: MedGen C1533041, MONDO:0000365, HP:0008007.

Allele frequency attached by ClinVar (database versions not stated): ExAC below 0.00001; gnomAD 0.00001; TOPMed 0.00001.

Submissions (5):

Fulgent Genetics
Classification: Pathogenic for Glaucoma 3A; Anterior segment dysgenesis 6. Last evaluated: 2024-04-09. Review status: criteria provided, single submitter. Criteria: ACMG Guidelines, 2015. Collection method: clinical testing. Allele origin: germline.

Labcorp Genetics (formerly Invitae), Labcorp
Classification: Pathogenic for Congenital glaucoma. Last evaluated: 2024-01-09. Review status: criteria provided, single submitter. Criteria: Invitae Variant Classification Sherloc (09022015). Collection method: clinical testing. Allele origin: germline.
Comment: This sequence change replaces glutamic acid, which is acidic and polar, with lysine, which is basic and polar, at codon 173 of the CYP1B1 protein (p.Glu173Lys). This variant is present in population databases (rs72481807, gnomAD no frequency). This missense change has been observed in individual(s) with primary congenital glaucoma (PMID: 17224759, 20664688, 24227805, 26550445). This variant is also known as c.888G>A. ClinVar contains an entry for this variant (Variation ID: 917724). Advanced modeling of protein sequence and biophysical properties (such as structural, functional, and spatial information, amino acid conservation, physicochemical variation, residue mobility, and thermodynamic stability) performed at Invitae indicates that this missense variant is not expected to disrupt CYP1B1 protein function with a negative predictive value of 80%. For these reasons, this variant has been classified as Pathogenic.

Baylor Genetics
Classification: Pathogenic for Anterior segment dysgenesis 6. Last evaluated: 2023-11-02. Review status: criteria provided, single submitter. Criteria: ACMG Guidelines, 2015. Collection method: clinical testing. Allele origin: unknown.

Women's Health and Genetics/Laboratory Corporation of America, LabCorp
Classification: Pathogenic for Primary congenital glaucoma. Last evaluated: 2020-02-21. Review status: criteria provided, single submitter. Criteria: LabCorp Variant Classification Summary - May 2015. Collection method: clinical testing. Allele origin: germline.
Comment: Variant summary: CYP1B1 c.517G>A (p.Glu173Lys) results in a conservative amino acid change in the encoded protein sequence. Four of five in-silico tools predict a damaging effect of the variant on protein function. The variant allele was found at a frequency of 6.9e-06 in 145760 control chromosomes (gnomAD). c.517G>A has been reported in the literature in multiple individuals (in both, compound heterozygous and homozygous states) affected with Primary congenital glaucoma (e.g. Chitsazian_2007, Chen_2015, El-Ashry_2007, Hilal_2010, Khan_2011). These data indicate that the variant is very likely to be associated with disease. To our knowledge, no experimental evidence demonstrating an impact on protein function has been reported. No clinical diagnostic laboratories have submitted clinical-significance assessments for this variant to ClinVar after 2014. Based on the evidence outlined above, the variant was classified as pathogenic.

Juno Genomics, Hangzhou Juno Genomics, Inc
Classification: Pathogenic for Anterior segment dysgenesis 6; Glaucoma 3A. Review status: criteria provided, single submitter. Criteria: ACMG Guidelines, 2015. Collection method: clinical testing. Allele origin: germline.
Comment: Absent from controls (or at extremely low frequency if recessive) in Genome Aggregation Database.;Multiple lines of computational evidence support a deleterious effect on the gene or gene product.;For recessive disorders, detected in trans with a pathogenic variant.;Co-segregation with disease in multiple affected family members.;Patient's phenotype or family history is highly specific for a disease with a single genetic etiology.

Literature cited by the submitters: PubMed 17224759 (cited by Labcorp Genetics (formerly Invitae), Labcorp and Women's Health and Genetics/Laboratory Corporation of America, LabCorp); PubMed 20664688 (cited by Labcorp Genetics (formerly Invitae), Labcorp and Women's Health and Genetics/Laboratory Corporation of America, LabCorp); PubMed 24227805 (cited by Labcorp Genetics (formerly Invitae), Labcorp and Women's Health and Genetics/Laboratory Corporation of America, LabCorp); PubMed 26550445 (cited by Labcorp Genetics (formerly Invitae), Labcorp and Women's Health and Genetics/Laboratory Corporation of America, LabCorp); PubMed 27243976 (cited by Women's Health and Genetics/Laboratory Corporation of America, LabCorp); PubMed 17591938 (cited by Women's Health and Genetics/Laboratory Corporation of America, LabCorp); PubMed 18622259 (cited by Women's Health and Genetics/Laboratory Corporation of America, LabCorp); PubMed 21306220 (cited by Women's Health and Genetics/Laboratory Corporation of America, LabCorp).

NM_000104.4(CYP1B1):c.517G>A (p.Glu173Lys)

Gene: CYP1B1 (cytochrome P450 family 1 subfamily B member 1; minus strand). Cytogenetic location: 2p22.2.
Variant type: single nucleotide variant.
Coding change: c.517G>A on transcript NM_000104.4 (MANE Select); coding-DNA position 517, G replaced by A.
Protein change: p.Glu173Lys; replaces glutamic acid 173 with lysine.
Molecular consequence: missense variant.
Genome position (GRCh38, 1-based): chr2:38,074,872, C>T on the plus strand (G>A on the coding strand, the complement: CYP1B1 is on the minus strand). VCF-style: chr2-38074872-C-T. GRCh37 (hg19) VCF-style: chr2-38302015-C-T.
Other names: short protein forms E173K.
Identifiers: ClinVar variation 917724 (VCV000917724.9), dbSNP rs72481807, ClinGen allele CA1620018.